The following is an entry in ClinVar:

NM_015047.3(EMC1):c.1800T>C (p.Ser600=)

Genes: EMC1 (ER membrane protein complex subunit 1; minus strand), EMC1-AS1 (EMC1 antisense RNA 1; plus strand). Cytogenetic location: 1p36.13.
Variant type: single nucleotide variant.
Coding change: c.1800T>C on transcript NM_015047.3 (MANE Select); coding-DNA position 1800, T replaced by C.
Protein change: p.Ser600=; no amino-acid change (serine 600 retained).
Molecular consequence: synonymous variant.
Genome position (GRCh38, 1-based): chr1:19,231,405, A>G on the plus strand (T>C on the coding strand, the complement: EMC1 is on the minus strand). VCF-style: chr1-19231405-A-G. GRCh37 (hg19) VCF-style: chr1-19557899-A-G.
Other names: c.1797T>C, p.Ser599= (NM_001271427.2, NM_001271428.2); c.1734T>C, p.Ser578= (NM_001271429.2); c.1809T>C, p.Ser603= (NM_001375820.1); c.1806T>C, p.Ser602= (NM_001375821.1).
Identifiers: ClinVar variation 2788999 (VCV002788999.3), dbSNP rs1423618254, ClinGen allele CA416429215.

ClinVar aggregate classification (germline): Uncertain significance (1 of 4 stars; one submission).

Allele frequency attached by ClinVar (database versions not stated): TOPMed below 0.00001.

Submission:

Labcorp Genetics (formerly Invitae), Labcorp
Classification: Uncertain significance. Last evaluated: 2023-03-12. Review status: criteria provided, single submitter. Criteria: Invitae Variant Classification Sherloc (09022015). Collection method: clinical testing. Allele origin: germline.
Comment: This variant has not been reported in the literature in individuals affected with EMC1-related conditions. This variant is not present in population databases (gnomAD no frequency). This sequence change affects codon 600 of the EMC1 mRNA. It is a 'silent' change, meaning that it does not change the encoded amino acid sequence of the EMC1 protein. In summary, the available evidence is currently insufficient to determine the role of this variant in disease. Therefore, it has been classified as a Variant of Uncertain Significance. Algorithms developed to predict the effect of sequence changes on RNA splicing suggest that this variant may create or strengthen a splice site.